The following is an entry in ClinVar:

NM_004369.4(COL6A3):c.7031G>A (p.Gly2344Glu)

Gene: COL6A3 (collagen type VI alpha 3 chain; minus strand). Cytogenetic location: 2q37.3.
Variant type: single nucleotide variant.
Coding change: c.7031G>A on transcript NM_004369.4 (MANE Select); coding-DNA position 7031, G replaced by A.
Protein change: p.Gly2344Glu; replaces glycine 2344 with glutamic acid.
Molecular consequence: missense variant.
Genome position (GRCh38, 1-based): chr2:237,346,564, C>T on the plus strand (G>A on the coding strand, the complement: COL6A3 is on the minus strand). VCF-style: chr2-237346564-C-T. GRCh37 (hg19) VCF-style: chr2-238255207-C-T.
Other names: p.Gly2344Glu; c.5210G>A, p.Gly1737Glu (NM_057166.5); c.6413G>A, p.Gly2138Glu (NM_057167.4); short protein forms G2344E, G1737E, G2138E.
Identifiers: ClinVar variation 594422 (VCV000594422.17), dbSNP rs367725413, ClinGen allele CA67841133.

ClinVar aggregate classification (germline): Uncertain significance. Review status: criteria provided, multiple submitters, no conflicts (2 of 4 stars). 5 submissions from 5 submitters: Uncertain significance (5). Last evaluated 2023-07-11.

Conditions:
Bethlem myopathy 1A. Also called: Bethlem myopathy 1; MYOPATHY, BENIGN CONGENITAL, WITH CONTRACTURES; Bethlem Muscular Dystrophy. Identifiers: Orphanet 610, MedGen CN029274, MONDO:0024530, OMIM 158810.

Allele frequency attached by ClinVar (database versions not stated): gnomAD 0.00001; TOPMed 0.00002; ESP Exome Variant Server 0.00008; gnomAD exomes 0.00012.
gnomAD v4.1: 165 of 1,613,426 alleles (0.01%); highest among the groups gnomAD compares: Non-Finnish European, 0.014%; 1 homozygote.

Submissions (5):

Mayo Clinic Laboratories, Mayo Clinic
Classification: Uncertain significance. Last evaluated: 2023-07-11. Review status: criteria provided, single submitter. Criteria: ACMG Guidelines, 2015. Collection method: clinical testing. Allele origin: germline. Observed: 1 variant allele.
Comment: PP3, PM2_moderate

Labcorp Genetics (formerly Invitae), Labcorp
Classification: Uncertain significance for Bethlem myopathy 1A. Last evaluated: 2022-11-08. Review status: criteria provided, single submitter. Criteria: Invitae Variant Classification Sherloc (09022015). Collection method: clinical testing. Allele origin: germline.
Comment: This missense change has been observed in individual(s) with autosomal recessive COL6A3-related conditions (PMID: 28688748). This variant is not present in population databases (gnomAD no frequency). This sequence change replaces glycine, which is neutral and non-polar, with glutamic acid, which is acidic and polar, at codon 2344 of the COL6A3 protein (p.Gly2344Glu). ClinVar contains an entry for this variant (Variation ID: 594422). In summary, the available evidence is currently insufficient to determine the role of this variant in disease. Therefore, it has been classified as a Variant of Uncertain Significance. Algorithms developed to predict the effect of missense changes on protein structure and function are either unavailable or do not agree on the potential impact of this missense change (SIFT: "Deleterious"; PolyPhen-2: "Not Available"; Align-GVGD: "Class C0").

Women's Health and Genetics/Laboratory Corporation of America, LabCorp
Classification: Uncertain significance. Last evaluated: 2022-11-03. Review status: criteria provided, single submitter. Criteria: LabCorp Variant Classification Summary - May 2015. Collection method: clinical testing. Allele origin: germline.
Comment: Variant summary: COL6A3 c.7031G>A (p.Gly2344Glu) results in a non-conservative amino acid change located in the located in the collagen triple helix repeat region (UniProt) of the encoded protein sequence and is predicted to disrupt a Gly-X-Y repeat in the collagen VI alpha 3 chain. However, the variant is not located in the part of the triple helical domain where commonly identified mutations are heavily clustered (i.e. N-terminal to the 17th Gly-X-Y triplet), therefore the variant might not affect a critical amino acid (see e.g. PMIDs 24038877, 34167565). This variant also alters the second nucleotide of exon 32 which is located close to the canonical splice site: 4/4 computational tools predict no significant impact on normal splicing. However, these predictions have yet to be confirmed by functional studies. The variant allele was found at a frequency of 1.3e-05 in 150914 control chromosomes (gnomAD v3.1, genomes dataset). The available data on variant occurrences in the general population are insufficient to allow any conclusion about variant significance. The variant, c.7031G>A, has been reported in the literature in a heterozygous individual affected with Bethlem myopathy (Sframeli_2017), however no supportive evidence for causality was provided. These data therefore do not allow any conclusion about variant significance. To our knowledge, no experimental evidence demonstrating an impact on protein function has been reported. Two clinical diagnostic laboratories have submitted clinical-significance assessments for this variant to ClinVar after 2014 without evidence for independent evaluation, and both of them classified the variant as uncertain significance. Based on the evidence outlined above, the variant was classified as uncertain significance.

Revvity Omics, Revvity
Classification: Uncertain significance. Last evaluated: 2022-06-17. Review status: criteria provided, single submitter. Criteria: ACMG Guidelines, 2015. Collection method: clinical testing. Allele origin: germline.

Eurofins Ntd Llc (ga)
Classification: Uncertain significance. Last evaluated: 2017-10-23. Review status: criteria provided, single submitter. Criteria: EGL Classification Definitions 2015. Collection method: clinical testing. Allele origin: germline. Observed: 1 variant allele, 1 heterozygote.

Literature cited by the submitters: PubMed 28688748 (cited by 3 submitters).